The following is an entry in ClinVar:

ClinVar aggregate classification (germline): Likely benign. Review status: criteria provided, multiple submitters, no conflicts (2 of 4 stars). 4 submissions from 4 submitters: Likely benign (4). Last evaluated 2025-08-28.

Conditions:
Heterotopia, periventricular, X-linked dominant (PVNH1). Also called: X-linked periventricular heterotopia; PERIVENTRICULAR NODULAR HETEROTOPIA 4; HETEROTOPIA, PERIVENTRICULAR, 1; PERIVENTRICULAR NODULAR HETEROTOPIA 1. Identifiers: Orphanet 2149, Orphanet 82004, MedGen C1848213, MONDO:0010233, OMIM 300049.
Frontometaphyseal dysplasia (FMD1). Identifiers: Orphanet 1826, MedGen C0265293, MONDO:0015942.
Oto-palato-digital syndrome, type II (OPD2). Also called: Otopalatodigital Syndrome, Type II; Otopalatodigital Syndrome Type 2 (FLNA-OPD2); FACIOPALATOOSSEOUS SYNDROME; OPD II SYNDROME. Identifiers: Orphanet 669, Orphanet 90652, MedGen C1844696, MONDO:0010571, OMIM 304120.
Melnick-Needles syndrome (MNS). Also called: Melnick-Needles Syndrome (FLNA-MNS); MELNICK-NEEDLES OSTEODYSPLASTY; OSTEODYSPLASTY OF MELNICK AND NEEDLES. Identifiers: Orphanet 2484, MedGen C0025237, MONDO:0010650, OMIM 309350.
Familial thoracic aortic aneurysm and aortic dissection (TAAD). Also called: Thoracic aortic aneurysms and dissections. Identifiers: Orphanet 91387, MedGen C4707243, MONDO:0019625.

Allele frequency attached by ClinVar (database versions not stated): gnomAD 0.00001; gnomAD exomes 0.00001; ExAC 0.00002; TOPMed 0.00002; ESP Exome Variant Server 0.00010; 1000 Genomes Project 30x 0.00021; 1000 Genomes Project 0.00026.
gnomAD v4.1: 10 of 1,208,079 alleles (0.00083%); highest among the groups gnomAD compares: Admixed American, 0.0044%; no homozygotes.

Submissions (4):

Ambry Genetics
Classification: Likely benign for Familial thoracic aortic aneurysm and aortic dissection. Last evaluated: 2025-08-28. Review status: criteria provided, single submitter. Criteria: Ambry Variant Classification Scheme 2023. Collection method: clinical testing. Allele origin: germline.

Labcorp Genetics (formerly Invitae), Labcorp
Classification: Likely benign for Oto-palato-digital syndrome, type II; Heterotopia, periventricular, X-linked dominant; Frontometaphyseal dysplasia; Melnick-Needles syndrome. Last evaluated: 2024-10-24. Review status: criteria provided, single submitter. Criteria: Invitae Variant Classification Sherloc (09022015). Collection method: clinical testing. Allele origin: germline.

CeGaT Center for Human Genetics Tuebingen
Classification: Likely benign. Last evaluated: 2022-03-01. Review status: criteria provided, single submitter. Criteria: CeGaT Center For Human Genetics Tuebingen Variant Classification Criteria Version 2. Collection method: clinical testing. Allele origin: germline. Affected: yes. Observed: 1 variant allele.
Comment: FLNA: BP4, BP7

Blueprint Genetics
Classification: Likely benign. Last evaluated: 2021-11-26. Review status: criteria provided, single submitter. Criteria: ACMG Guidelines, 2015. Collection method: clinical testing. Allele origin: germline.

NM_001110556.2(FLNA):c.1995C>T (p.Asp665=)

Gene: FLNA (filamin A; minus strand). Cytogenetic location: Xq28.
Variant type: single nucleotide variant.
Coding change: c.1995C>T on transcript NM_001110556.2 (MANE Select); coding-DNA position 1995, C replaced by T.
Protein change: p.Asp665=; no amino-acid change (aspartic acid 665 retained).
Molecular consequence: synonymous variant.
Genome position (GRCh38, 1-based): chrX:154,364,553, G>A on the plus strand (C>T on the coding strand, the complement: FLNA is on the minus strand). VCF-style: chrX-154364553-G-A. GRCh37 (hg19) VCF-style: chrX-153592921-G-A.
Other names: c.1995C>T, p.Asp665= (NM_001456.4); c.1995C>T (NM_001456.3).
Identifiers: ClinVar variation 1081483 (VCV001081483.34), dbSNP rs368889011, ClinGen allele CA10561038.